The following is an entry in ClinVar:

ClinVar aggregate classification (germline): Likely pathogenic. Review status: reviewed by expert panel (3 of 4 stars). 5 submissions from 4 submitters: Likely pathogenic (1). 4 of the submissions do not count toward it. Last evaluated 2026-10-01.

Conditions:
Severe combined immunodeficiency disease. Also called: Severe Combined Immune Deficiency; Severe combined immunodeficiency. Identifiers: Orphanet 183660, MedGen C0085110, MeSH D016511, MONDO:0015974, HP:0004430. Inheritance: X-Linked or Autosomal recessive.
T-B+ severe combined immunodeficiency due to JAK3 deficiency. Also called: SCID, T CELL-NEGATIVE, B CELL-POSITIVE, NK CELL-NEGATIVE; SCID, autosomal recessive, T-negative/B-positive type. Identifiers: Orphanet 35078, MedGen C1833275, MONDO:0010938, OMIM 600802.

Allele frequency attached by ClinVar (database versions not stated): ExAC 0.00001; gnomAD exomes below 0.00001 and 0.00001; gnomAD 0.00001; TOPMed 0.00001.
gnomAD v4.1: 11 of 1,613,348 alleles (0.00068%); highest among the groups gnomAD compares: South Asian, 0.0011%; no homozygotes.

Submissions (5):

ClinGen Severe Combined Immunodeficiency Variant Curation Expert Panel, ClinGen
Classification: Likely pathogenic for T-B+ severe combined immunodeficiency due to JAK3 deficiency. Last evaluated: 2026-10-01. Review status: reviewed by expert panel. Criteria: ClinGen SCID ACMG Specifications JAK3 V2.3. Collection method: curation. Allele origin: germline. Inheritance: Autosomal recessive inheritance.
Comment: The c.308G>A (p.Arg103His) variant in JAK3 gene, that encodes for Janus kinase 3, has been reported in homozygous status in four individuals with severe combined immune deficiency (PMID: 33040328, 32691468, 31031743, 26915675) [0.5pt+0.5pt+0.5pt+0.5pt]. This variant has also been reported in in compound heterozygous status with Y425* which is likely a loss of function variant but treated as VUS since this variant is not classified as LP/P yet by the VCEP, in one patient with SCID (29713328) [0.25 pt]. Total 2.25pts so PM3_Strong met. This variant was found in one patient from a cohort where Primary immune deficiency gene panel testing (162 genes) was conducted using NGS and no alternative genetic explanation was found (PMID: 26915675) [1pt]. Total 1pt so PP4 met. The GrpMax filtering allele frequency of the European (Non-Finnish) population is 0.00000429 which is less than the threshold <0.000115 so PM2_supporting is met. Therefore, the c.308G>A (p.Arg103His) variant in JAK3 gene is classified as likely pathogenic based on the ClinGen Severe Combined Immunodeficiency Disease Expert Panel Specifications to the ACMG/AMP Variant Interpretation Guidelines for JAK3 Version 2.3. [Evidences: PM3_Strong, PP4, PM2_Supporting]

Women's Health and Genetics/Laboratory Corporation of America, LabCorp
Classification: Pathogenic for Severe combined immunodeficiency disease. Last evaluated: 2025-04-07. Review status: criteria provided, single submitter. Criteria: LabCorp Variant Classification Summary - May 2015. Collection method: clinical testing. Allele origin: germline. Not counted in ClinVar's aggregate classification.
Comment: Variant summary: JAK3 c.308G>A (p.Arg103His) results in a non-conservative amino acid change in the encoded protein sequence. Five of five in-silico tools predict a damaging effect of the variant on protein function. The variant allele was found at a frequency of 4e-06 in 251168 control chromosomes (gnomAD). c.308G>A has been reported in the literature in homozygous individuals affected with Severe Combined Immunodeficiency (Al-Mousa_2016, Cifaldi_2019, El Hawary_2021). These data indicate that the variant is very likely to be associated with disease. The following publications have been ascertained in the context of this evaluation (PMID: 26915675, 31031743, 33040328). ClinVar contains an entry for this variant (Variation ID: 191102). Based on the evidence outlined above, the variant was classified as pathogenic.

Genomic Medicine Center of Excellence, King Faisal Specialist Hospital and Research Centre
Classification: Pathogenic for T-B+ severe combined immunodeficiency due to JAK3 deficiency. Last evaluated: 2024-03-17. Review status: criteria provided, single submitter. Criteria: ACMG Guidelines, 2015. Collection method: research. Allele origin: germline. Not counted in ClinVar's aggregate classification.

Labcorp Genetics (formerly Invitae), Labcorp
Classification: Pathogenic for T-B+ severe combined immunodeficiency due to JAK3 deficiency. Last evaluated: 2023-08-24. Review status: criteria provided, single submitter. Criteria: Invitae Variant Classification Sherloc (09022015). Collection method: clinical testing. Allele origin: germline. Not counted in ClinVar's aggregate classification.
Comment: ClinVar contains an entry for this variant (Variation ID: 191102). This sequence change replaces arginine, which is basic and polar, with histidine, which is basic and polar, at codon 103 of the JAK3 protein (p.Arg103His). This variant also falls at the last nucleotide of exon 3, which is part of the consensus splice site for this exon. This variant is present in population databases (rs774202259, gnomAD 0.002%). This missense change has been observed in individual(s) with severe combined immunodeficiency (PMID: 26915675, 31031743, 33040328). An algorithm developed to predict the effect of missense changes on protein structure and function (PolyPhen-2) suggests that this variant is likely to be disruptive. Variants that disrupt the consensus splice site are a relatively common cause of aberrant splicing (PMID: 17576681, 9536098). Algorithms developed to predict the effect of sequence changes on RNA splicing suggest that this variant may disrupt the consensus splice site. For these reasons, this variant has been classified as Pathogenic.

Genomic Medicine Center of Excellence, King Faisal Specialist Hospital and Research Centre
Classification: Likely pathogenic. Review status: flagged submission. Criteria: ACMG Guidelines, 2015. Collection method: research. Allele origin: germline. Affected: yes. Not counted in ClinVar's aggregate classification.
ClinVar note: Reason: This record appears to be redundant with a more recent record from the same submitter.
ClinVar note: Notes: SCV000221478 appears to be redundant with SCV004804922.

Literature cited by the submitters: PubMed 26915675 (cited by Women's Health and Genetics/Laboratory Corporation of America, LabCorp and Labcorp Genetics (formerly Invitae), Labcorp); PubMed 31031743 (cited by Women's Health and Genetics/Laboratory Corporation of America, LabCorp and Labcorp Genetics (formerly Invitae), Labcorp); PubMed 33040328 (cited by Women's Health and Genetics/Laboratory Corporation of America, LabCorp and Labcorp Genetics (formerly Invitae), Labcorp); PubMed 17576681 (cited by Labcorp Genetics (formerly Invitae), Labcorp); PubMed 9536098 (cited by Labcorp Genetics (formerly Invitae), Labcorp).

NM_000215.4(JAK3):c.308G>A (p.Arg103His)

Gene: JAK3 (Janus kinase 3; minus strand). Cytogenetic location: 19p13.11.
Variant type: single nucleotide variant.
Coding change: c.308G>A on transcript NM_000215.4 (MANE Select); coding-DNA position 308, G replaced by A.
Protein change: p.Arg103His; replaces arginine 103 with histidine.
Molecular consequence: missense variant.
Genome position (GRCh38, 1-based): chr19:17,843,777, C>T on the plus strand (G>A on the coding strand, the complement: JAK3 is on the minus strand). VCF-style: chr19-17843777-C-T. GRCh37 (hg19) VCF-style: chr19-17954586-C-T.
Other names: NM_000215.4(JAK3):c.308G>A; p.Arg103His; short protein forms R103H.
Identifiers: ClinVar variation 191102 (VCV000191102.16), dbSNP rs774202259, ClinGen allele CA236018.